The following is an entry in ClinVar:

NM_007194.4(CHEK2):c.660C>G (p.Tyr220Ter)

Gene: CHEK2 (checkpoint kinase 2; minus strand). Cytogenetic location: 22q12.1.
Variant type: single nucleotide variant.
Coding change: c.660C>G on transcript NM_007194.4 (MANE Select); coding-DNA position 660, C replaced by G.
Protein change: p.Tyr220Ter; replaces tyrosine 220 with a stop codon.
Molecular consequence: nonsense. On other transcripts: 5 prime UTR variant (2), intron variant (1).
Genome position (GRCh38, 1-based): chr22:28,719,418, G>C on the plus strand (C>G on the coding strand, the complement: CHEK2 is on the minus strand). VCF-style: chr22-28719418-G-C. GRCh37 (hg19) VCF-style: chr22-29115406-G-C.
Other names: c.-4C>G (NM_001437942.1, NM_001257387.3); c.789C>G, p.Tyr263Ter (NM_001005735.3, NM_001438294.1); c.753C>G, p.Tyr251Ter (NM_001438293.1, NM_001438295.1); c.660C>G, p.Tyr220Ter (NM_145862.3); c.482+5468C>G (NM_001349956.3); short protein forms Y220*, Y263*, Y251*.
Identifiers: ClinVar variation 2755729 (VCV002755729.4), dbSNP rs876659987, ClinGen allele CA411104918.
Genomic context (GRCh38, chr22:28,719,418, plus strand): 5'-AAAAAATTAAGTGCATTTATATAAGAAAATAATTTACCTTCCAAGAGTTTTTGACATGAT[G>C]TATTCATCTCTTAATGCCTTAGGATAAACTGACTGATCATCTACAGTCAGATCAAAAAAG-3'

ClinVar aggregate classification (germline): Pathogenic. Review status: criteria provided, multiple submitters, no conflicts (2 of 4 stars). 2 submissions from 2 submitters: Pathogenic (2). Last evaluated 2024-05-06.

Conditions:
Hereditary cancer-predisposing syndrome. Also called: Neoplastic Syndromes, Hereditary; Hereditary Cancer Syndrome; Tumor predisposition; Hereditary neoplastic syndrome. Identifiers: Orphanet 140162, MedGen C0027672, MeSH D009386, MONDO:0015356.
Familial cancer of breast. Also called: BREAST CANCER, FAMILIAL; hereditary breast carcinoma; Hereditary breast cancer. Identifiers: Orphanet 227535, MedGen C0346153, MONDO:0016419, OMIM 114480. Disease mechanism: loss of function.

Submissions (2):

Ambry Genetics
Classification: Pathogenic for Hereditary cancer-predisposing syndrome. Last evaluated: 2024-05-06. Review status: criteria provided, single submitter. Criteria: Ambry Variant Classification Scheme 2023. Collection method: clinical testing. Allele origin: germline.
Comment: The p.Y220* pathogenic mutation (also known as c.660C>G), located in coding exon 4 of the CHEK2 gene, results from a C to G substitution at nucleotide position 660. This changes the amino acid from a tyrosine to a stop codon within coding exon 4. This alteration is expected to result in loss of function by premature protein truncation or nonsense-mediated mRNA decay. As such, this alteration is interpreted as a disease-causing mutation.

Labcorp Genetics (formerly Invitae), Labcorp
Classification: Pathogenic for Familial cancer of breast. Last evaluated: 2023-08-27. Review status: criteria provided, single submitter. Criteria: Invitae Variant Classification Sherloc (09022015). Collection method: clinical testing. Allele origin: germline.
Comment: For these reasons, this variant has been classified as Pathogenic. Algorithms developed to predict the effect of sequence changes on RNA splicing suggest that this variant may disrupt the consensus splice site. This variant has not been reported in the literature in individuals affected with CHEK2-related conditions. This variant is not present in population databases (gnomAD no frequency). This sequence change creates a premature translational stop signal (p.Tyr220*) in the CHEK2 gene. It is expected to result in an absent or disrupted protein product. Loss-of-function variants in CHEK2 are known to be pathogenic (PMID: 21876083, 24713400).

Literature cited by the submitters: PubMed 21876083 (cited by Labcorp Genetics (formerly Invitae), Labcorp); PubMed 24713400 (cited by Labcorp Genetics (formerly Invitae), Labcorp).